The following is an entry in ClinVar:

NM_004329.3(BMPR1A):c.410C>T (p.Thr137Ile)

Gene: BMPR1A (bone morphogenetic protein receptor type 1A; plus strand). Cytogenetic location: 10q23.2.
Variant type: single nucleotide variant.
Coding change: c.410C>T on transcript NM_004329.3 (MANE Select); coding-DNA position 410, C replaced by T.
Protein change: p.Thr137Ile; replaces threonine 137 with isoleucine.
Molecular consequence: missense variant.
Genome position (GRCh38, 1-based): chr10:86,899,870, C>T. VCF-style: chr10-86899870-C-T. GRCh37 (hg19) VCF-style: chr10-88659627-C-T.
Other names: short protein forms T137I.
Identifiers: ClinVar variation 1034893 (VCV001034893.13), dbSNP rs1843282592, ClinGen allele CA377449806.
Genomic context (GRCh38, chr10:86,899,870, plus strand): 5'-AGCTACGCCGGACAATAGAATGTTGTCGGACCAATTTATGTAACCAGTATTTGCAACCCA[C>T]ACTGCCCCCTGTTGTCATAGGTAGGTTAGCCGAGAAAAGTCGGAGCATGCTTCTCAAATA-3'
Protein context (NP_004320.2, residues 127-147): TNLCNQYLQP[Thr137Ile]LPPVVIGPFF

ClinVar aggregate classification (germline): Uncertain significance. Review status: criteria provided, multiple submitters, no conflicts (2 of 4 stars). 3 submissions from 3 submitters: Uncertain significance (3). Last evaluated 2026-01-05.

Conditions:
Juvenile polyposis syndrome (JPS). Identifiers: Orphanet 2929, MedGen C0345893, MONDO:0017380, OMIM 174900.
Hereditary cancer-predisposing syndrome. Also called: Neoplastic Syndromes, Hereditary; Hereditary Cancer Syndrome; Tumor predisposition; Hereditary neoplastic syndrome. Identifiers: Orphanet 140162, MedGen C0027672, MeSH D009386, MONDO:0015356.

Allele frequency attached by ClinVar (database versions not stated): gnomAD exomes below 0.00001; TOPMed below 0.00001.
gnomAD v4.1: 2 of 1,614,214 alleles (0.00012%); highest among the groups gnomAD compares: Non-Finnish European, 0.00017%; no homozygotes.

Submissions (3):

Labcorp Genetics (formerly Invitae), Labcorp
Classification: Uncertain significance for Juvenile polyposis syndrome. Last evaluated: 2026-01-05. Review status: criteria provided, single submitter. Criteria: Invitae Variant Classification Sherloc (09022015). Collection method: clinical testing. Allele origin: germline.
Comment: This sequence change replaces threonine, which is neutral and polar, with isoleucine, which is neutral and non-polar, at codon 137 of the BMPR1A protein (p.Thr137Ile). This variant is not present in population databases (gnomAD no frequency). This variant has not been reported in the literature in individuals affected with BMPR1A-related conditions. ClinVar contains an entry for this variant (Variation ID: 1034893). Invitae Evidence Modeling of protein sequence and biophysical properties (such as structural, functional, and spatial information, amino acid conservation, physicochemical variation, residue mobility, and thermodynamic stability) indicates that this missense variant is not expected to disrupt BMPR1A protein function with a negative predictive value of 80%. In summary, the available evidence is currently insufficient to determine the role of this variant in disease. Therefore, it has been classified as a Variant of Uncertain Significance.

Ambry Genetics
Classification: Uncertain significance for Hereditary cancer-predisposing syndrome. Last evaluated: 2024-05-08. Review status: criteria provided, single submitter. Criteria: Ambry Variant Classification Scheme 2023. Collection method: clinical testing. Allele origin: germline.
Comment: The p.T137I variant (also known as c.410C>T), located in coding exon 4 of the BMPR1A gene, results from a C to T substitution at nucleotide position 410. The threonine at codon 137 is replaced by isoleucine, an amino acid with similar properties. This amino acid position is highly conserved in available vertebrate species. In addition, this alteration is predicted to be deleterious by in silico analysis. Based on the available evidence, the clinical significance of this variant remains unclear.

All of Us Research Program, National Institutes of Health
Classification: Uncertain significance for Juvenile polyposis syndrome. Last evaluated: 2023-05-04. Review status: criteria provided, single submitter. Criteria: ACMG Guidelines, 2015. Collection method: clinical testing. Allele origin: germline. Inheritance: Autosomal dominant inheritance. Observed: 1 variant allele, 1 heterozygote.
Comment: This missense variant replaces threonine with isoleucine at codon 137 of the BMPR1A protein. Computational prediction suggests that this variant may have deleterious impact on protein structure and function (internally defined REVEL score threshold >= 0.7, PMID: 27666373). To our knowledge, functional studies have not been reported for this variant. This variant has not been reported in individuals affected with BMPR1A-related disorders in the literature. This variant has not been identified in the general population by the Genome Aggregation Database (gnomAD). The available evidence is insufficient to determine the role of this variant in disease conclusively. Therefore, this variant is classified as a Variant of Uncertain Significance.

This study involves interpretation of variants in research participants for the purpose of population health screening. Participant phenotype was not available at the time of variant classification. Additional details can be found in publication PMID: 35346344, PMCID: PMC8962531